The following is an entry in ClinVar:

ClinVar aggregate classification (germline): Uncertain significance. Review status: criteria provided, multiple submitters, no conflicts (2 of 4 stars). 2 submissions from 2 submitters: Uncertain significance (2). Last evaluated 2025-11-07.

Conditions:
Inborn genetic diseases. Identifiers: MedGen C0950123, MeSH D030342.

gnomAD v4.1: 9 of 1,610,108 alleles (0.00056%); highest among the groups gnomAD compares: African/African-American, 0.0067%; no homozygotes.

Submissions (2):

Ambry Genetics
Classification: Uncertain significance for Inborn genetic diseases. Last evaluated: 2025-11-07. Review status: criteria provided, single submitter. Criteria: Ambry Variant Classification Scheme 2023. Collection method: clinical testing. Allele origin: germline.

Labcorp Genetics (formerly Invitae), Labcorp
Classification: Uncertain significance. Last evaluated: 2025-05-18. Review status: criteria provided, single submitter. Criteria: Invitae Variant Classification Sherloc (09022015). Collection method: clinical testing. Allele origin: germline.
Comment: This sequence change replaces aspartic acid, which is acidic and polar, with histidine, which is basic and polar, at codon 269 of the RHOBTB2 protein (p.Asp269His). This variant is present in population databases (rs199547644, gnomAD 0.007%). This variant has not been reported in the literature in individuals affected with RHOBTB2-related conditions. ClinVar contains an entry for this variant (Variation ID: 3022494). Invitae Evidence Modeling of protein sequence and biophysical properties (such as structural, functional, and spatial information, amino acid conservation, physicochemical variation, residue mobility, and thermodynamic stability) indicates that this missense variant is not expected to disrupt RHOBTB2 protein function with a negative predictive value of 80%. In summary, the available evidence is currently insufficient to determine the role of this variant in disease. Therefore, it has been classified as a Variant of Uncertain Significance.

NM_015178.3(RHOBTB2):c.739G>C (p.Asp247His)

Gene: RHOBTB2 (Rho related BTB domain containing 2; plus strand). Cytogenetic location: 8p21.3.
Variant type: single nucleotide variant.
Coding change: c.739G>C on transcript NM_015178.3 (MANE Select); coding-DNA position 739, G replaced by C.
Protein change: p.Asp247His; replaces aspartic acid 247 with histidine.
Molecular consequence: missense variant.
Genome position (GRCh38, 1-based): chr8:23,006,984, G>C. VCF-style: chr8-23006984-G-C. GRCh37 (hg19) VCF-style: chr8-22864497-G-C.
Other names: c.805G>C (NM_001160036.1); c.805G>C, p.Asp269His (NM_001160036.2); c.760G>C, p.Asp254His (NM_001160037.2); c.739G>C, p.Asp247His (NM_001374791.1); short protein forms D254H, D269H, D247H.
Identifiers: ClinVar variation 3022494 (VCV003022494.4), dbSNP rs199547644, ClinGen allele CA4672529.